The following is an entry in ClinVar:

NM_000277.3(PAH):c.441+4A>G

Gene: PAH (phenylalanine hydroxylase; minus strand). Cytogenetic location: 12q23.2.
Variant type: single nucleotide variant.
Coding change: c.441+4A>G on transcript NM_000277.3 (MANE Select); 4 bases into the intron after coding-DNA position 441, A replaced by G.
Molecular consequence: intron variant.
Genome position (GRCh38, 1-based): chr12:102,877,458, T>C on the plus strand (A>G on the coding strand, the complement: PAH is on the minus strand). VCF-style: chr12-102877458-T-C. GRCh37 (hg19) VCF-style: chr12-103271236-T-C.
Other names: c.441+4A>G (NM_000277.2, NM_001354304.2).
Identifiers: ClinVar variation 102674 (VCV000102674.19), dbSNP rs62508586, ClinGen allele CA229548.
Genomic context (GRCh38, chr12:102,877,458, plus strand): 5'-GAGGAAGGGAGGGGAGTGGAGGAGAGGCACTGAAAAAATCTCATCCTACGGGCCATGGAC[T>C]CACAGGGTGGTCAGCATCCAGTTCCGCTCCATAGCTGAGAATCTGATTGGCAAATCTGTC-3'

ClinVar aggregate classification (germline): Uncertain significance. Review status: reviewed by expert panel (3 of 4 stars). 8 submissions from 8 submitters: Uncertain significance (1). 7 of the submissions do not count toward it. Last evaluated 2019-09-29.

Conditions:
Phenylketonuria (PKU). Also called: Phenylketonuria (PKU); FOLLING DISEASE; OLIGOPHRENIA PHENYLPYRUVICA; Phenylketonurias. Identifiers: Orphanet 716, MedGen C0031485, MONDO:0009861, OMIM 261600. Disease mechanism: loss of function.

Allele frequency attached by ClinVar (database versions not stated): TOPMed below 0.00001; gnomAD exomes below 0.00001; gnomAD 0.00001.
gnomAD v4.1: 5 of 1,610,582 alleles (0.00031%); highest among the groups gnomAD compares: Non-Finnish European, 0.00042%; no homozygotes.

Submissions (8):

ClinGen PAH Variant Curation Expert Panel
Classification: Uncertain significance for Phenylketonuria. Last evaluated: 2019-09-29. Review status: reviewed by expert panel. Criteria: ClinGen PAH ACMG Specifications v1. Collection method: curation. Allele origin: germline. Inheritance: Autosomal recessive inheritance.
Comment: This variant is absent in population databases (PM2). Computational evidence support a splicing effect (HSF and MaxEnt). In summary, this variant meets criteria to be classified as uncertain significance for PAH. PAH-specific ACMG/AMP criteria applied: PP4, PM2, PM3_supporting, PP3.

Women's Health and Genetics/Laboratory Corporation of America, LabCorp
Classification: Pathogenic for Phenylketonuria. Last evaluated: 2026-02-04. Review status: criteria provided, single submitter. Criteria: LabCorp Variant Classification Summary - May 2015. Collection method: clinical testing. Allele origin: germline. Not counted in ClinVar's aggregate classification.
Comment: Variant summary: PAH c.441+4A>G alters a conserved nucleotide located close to a canonical splice site and therefore could affect mRNA splicing, leading to a significantly altered protein sequence. Several computational tools predict a significant impact on normal splicing: Two predict the variant abolishes the canonical 5' splicing donor site and two predict the variant weakens the 5' donor site. However, these predictions have yet to be confirmed by functional studies. The variant was absent in 251488 control chromosomes. c.441+4A>G has been observed in multiple individuals affected with Phenylalanine Hydroxylase Deficiency (Phenylketonuria) (e.g. Zschocke_2008, Rosini_2014, Razipour_2017, Hillert_2020). These data indicate that the variant is very likely to be associated with disease. To our knowledge, no experimental evidence demonstrating an impact on protein function has been reported. The following publications have been ascertained in the context of this evaluation (PMID: 12655553, 32668217, 28676969, 25359260, 19015950, 17935162). ClinVar contains an entry for this variant (Variation ID: 102674). Based on the evidence outlined above, the variant was classified as pathogenic.

Natera, Inc.
Classification: Likely pathogenic for Phenylketonuria. Last evaluated: 2025-04-11. Review status: criteria provided, single submitter. Criteria: Natera Variant Classification Schema (03/2026). Collection method: clinical testing. Allele origin: germline. Not counted in ClinVar's aggregate classification.
Comment: The c.441+4A>G variant in PAH is an intronic variant located outside the canonical splice sites. This variant is rare in the general population with a frequency below the threshold expected for the associated phenotype(s). This variant has been observed in one or more individuals affected with the associated recessive disease, as either homozygous or compound heterozygous with a second variant (PMID: 25359260, 19015950, 32668217). Additionally, this variant has been observed to segregate in affected family members (PMID: 25359260). Computational prediction algorithms indicate this variant is likely to affect gene or protein function. Given the available evidence, this variant is classified as Likely Pathogenic.

GeneDx
Classification: Uncertain significance. Last evaluated: 2024-12-19. Review status: criteria provided, single submitter. Criteria: GeneDx Variant Classification Process June 2021. Collection method: clinical testing. Allele origin: germline. Affected: yes. Not counted in ClinVar's aggregate classification.
Comment: Not observed at significant frequency in large population cohorts (gnomAD); In silico analysis supports a deleterious effect on splicing; It is unclear whether or not this variant is responsive to tetrahydrobiopterin (BH4) therapy (PMID: 17935162); This variant is associated with the following publications: (PMID: 12655553, 19015950, 35339094, 17935162, 36646061, 32668217, 28676969)

Labcorp Genetics (formerly Invitae), Labcorp
Classification: Pathogenic for Phenylketonuria. Last evaluated: 2023-12-23. Review status: criteria provided, single submitter. Criteria: Invitae Variant Classification Sherloc (09022015). Collection method: clinical testing. Allele origin: germline. Not counted in ClinVar's aggregate classification.
Comment: This sequence change falls in intron 4 of the PAH gene. It does not directly change the encoded amino acid sequence of the PAH protein. It affects a nucleotide within the consensus splice site. This variant is not present in population databases (gnomAD no frequency). This variant has been observed in individual(s) with PAH-related conditions (PMID: 12655553, 19015950, 28676969; Invitae). In at least one individual the data is consistent with being in trans (on the opposite chromosome) from a pathogenic variant. ClinVar contains an entry for this variant (Variation ID: 102674). Variants that disrupt the consensus splice site are a relatively common cause of aberrant splicing (PMID: 17576681, 9536098). Algorithms developed to predict the effect of sequence changes on RNA splicing suggest that this variant may disrupt the consensus splice site. For these reasons, this variant has been classified as Pathogenic.

Blueprint Genetics
Classification: Uncertain significance. Last evaluated: 2020-03-03. Review status: criteria provided, single submitter. Criteria: ACMG Guidelines, 2015. Collection method: clinical testing. Allele origin: germline. Not counted in ClinVar's aggregate classification.

Counsyl
Classification: Uncertain significance for Phenylketonuria. Last evaluated: 2017-09-07. Review status: no assertion criteria provided. Collection method: clinical testing. Allele origin: unknown. Not counted in ClinVar's aggregate classification.

DeBelle Laboratory for Biochemical Genetics, MUHC/MCH RESEARCH INSTITUTE
No classification provided. Review status: no classification provided. Collection method: not provided. Allele origin: not provided. Not counted in ClinVar's aggregate classification.

Literature cited by the submitters: PubMed 19015950 (cited by 5 submitters); PubMed 28676969 (cited by 3 submitters); PubMed 12655553 (cited by 4 submitters); PubMed 17935162 (cited by Women's Health and Genetics/Laboratory Corporation of America, LabCorp and Counsyl); PubMed 32668217 (cited by Women's Health and Genetics/Laboratory Corporation of America, LabCorp and Natera, Inc.); PubMed 25359260 (cited by Women's Health and Genetics/Laboratory Corporation of America, LabCorp and Natera, Inc.); PubMed 17576681 (cited by Labcorp Genetics (formerly Invitae), Labcorp); PubMed 9536098 (cited by Labcorp Genetics (formerly Invitae), Labcorp).